The following is an entry in ClinVar:

ClinVar aggregate classification (germline): Uncertain significance (1 of 4 stars; one submission).

Submission:

GeneDx
Classification: Uncertain significance. Last evaluated: 2024-12-11. Review status: criteria provided, single submitter. Criteria: GeneDx Variant Classification Process June 2021. Collection method: clinical testing. Allele origin: germline. Affected: yes.
Comment: Has not been previously published as pathogenic or benign to our knowledge; Not observed at significant frequency in large population cohorts (gnomAD); In silico analysis indicates that this missense variant does not alter protein structure/function; This variant is associated with the following publications: (PMID: 27535533)

NM_004370.6(COL12A1):c.4772G>A (p.Gly1591Glu)

Gene: COL12A1 (collagen type XII alpha 1 chain; minus strand). Cytogenetic location: 6q13.
Variant type: single nucleotide variant.
Coding change: c.4772G>A on transcript NM_004370.6 (MANE Select); coding-DNA position 4772, G replaced by A.
Protein change: p.Gly1591Glu; replaces glycine 1591 with glutamic acid.
Molecular consequence: missense variant.
Genome position (GRCh38, 1-based): chr6:75,143,307, C>T on the plus strand (G>A on the coding strand, the complement: COL12A1 is on the minus strand). VCF-style: chr6-75143307-C-T. GRCh37 (hg19) VCF-style: chr6-75853023-C-T.
Other names: c.4499G>A, p.Gly1500Glu (NM_001424115.1); c.1280G>A, p.Gly427Glu (NM_001424116.1, NM_080645.3); c.4772G>A, p.Gly1591Glu (NM_001424113.1, NM_001424114.1); short protein forms G1500E, G1591E, G427E.
Identifiers: ClinVar variation 3903208 (VCV003903208.1).